The following is an entry in ClinVar:

NM_000346.4(SOX9):c.1427T>C (p.Met476Thr)

Gene: SOX9 (SRY-box transcription factor 9; plus strand). Cytogenetic location: 17q24.3.
Variant type: single nucleotide variant.
Coding change: c.1427T>C on transcript NM_000346.4 (MANE Select); coding-DNA position 1427, T replaced by C.
Protein change: p.Met476Thr; replaces methionine 476 with threonine.
Molecular consequence: missense variant.
Genome position (GRCh38, 1-based): chr17:72,124,284, T>C. VCF-style: chr17-72124284-T-C. GRCh37 (hg19) VCF-style: chr17-70120425-T-C.
Other names: short protein forms M476T.
Identifiers: ClinVar variation 374384 (VCV000374384.1), dbSNP rs1057518669, ClinGen allele CA16043696.

ClinVar aggregate classification (germline): Likely pathogenic (0 of 4 stars; one submission).

Conditions:
Camptomelic dysplasia (CMPD). Also called: Campomelic Dysplasia; CMPD1/SRA1. Identifiers: Orphanet 140, MedGen C1861922, MONDO:0007251, OMIM 114290.

Submission:

Baylor Genetics
Classification: Likely pathogenic for Camptomelic dysplasia. Last evaluated: 2016-05-01. Review status: no assertion criteria provided. Collection method: clinical testing. Allele origin: de novo. Inheritance: Autosomal dominant inheritance. Affected: yes.